The following is an entry in ClinVar:

ClinVar aggregate classification (germline): Pathogenic/Likely pathogenic. Review status: criteria provided, multiple submitters, no conflicts (2 of 4 stars). 2 submissions from 2 submitters: Pathogenic (1); Likely pathogenic (1). Last evaluated 2024-05-20.

Conditions:
Hereditary cancer-predisposing syndrome. Also called: Hereditary Cancer Syndrome; Hereditary neoplastic syndrome; Tumor predisposition; Neoplastic Syndromes, Hereditary. Identifiers: Orphanet 140162, MedGen C0027672, MeSH D009386, MONDO:0015356.
Multiple endocrine neoplasia, type 1 (MEN1). Also called: MEN I; WERMER SYNDROME; Endocrine adenomatosis multiple; MEN 1; MEA I. Identifiers: Orphanet 652, MedGen C0025267, MeSH D018761, MONDO:0007540, OMIM 131100.

Submissions (2):

Labcorp Genetics (formerly Invitae), Labcorp
Classification: Pathogenic for Multiple endocrine neoplasia, type 1. Last evaluated: 2024-05-20. Review status: criteria provided, single submitter. Criteria: Invitae Variant Classification Sherloc (09022015). Collection method: clinical testing. Allele origin: germline.
Comment: This sequence change replaces tryptophan, which is neutral and slightly polar, with arginine, which is basic and polar, at codon 423 of the MEN1 protein (p.Trp423Arg). This variant is not present in population databases (gnomAD no frequency). This missense change has been observed in individuals with clinical features of multiple endocrine neoplasia type 1 (PMID: 33233395; Invitae). It has also been observed to segregate with disease in related individuals. ClinVar contains an entry for this variant (Variation ID: 457284). Advanced modeling of protein sequence and biophysical properties (such as structural, functional, and spatial information, amino acid conservation, physicochemical variation, residue mobility, and thermodynamic stability) performed at Invitae indicates that this missense variant is expected to disrupt MEN1 protein function with a positive predictive value of 95%. Experimental studies have shown that this missense change affects MEN1 function (PMID: 22090276, 22275377). For these reasons, this variant has been classified as Pathogenic.

Ambry Genetics
Classification: Likely pathogenic for Hereditary cancer-predisposing syndrome. Last evaluated: 2017-02-02. Review status: criteria provided, single submitter. Criteria: Ambry Variant Classification Scheme 2023. Collection method: clinical testing. Allele origin: germline.
Comment: The p.W423R variant (also known as c.1267T>C), located in coding exon 8 of the MEN1 gene, results from a T to C substitution at nucleotide position 1267. The tryptophan at codon 423 is replaced by arginine, an amino acid with dissimilar properties. This alteration was also found to cause a less stable menin protein that was degraded more rapidly than wild-type menin (Canaff L et al. J. Clin. Endocrinol. Metab., 2012 Feb;97:E282-91). This amino acid position is highly conserved in available vertebrate species. In addition, this alteration is predicted to be deleterious by in silico analysis. Based on the majority of available evidence to date, this variant is likely to be pathogenic.

Literature cited by the submitters: PubMed 33233395 (cited by Labcorp Genetics (formerly Invitae), Labcorp); PubMed 22090276 (cited by Labcorp Genetics (formerly Invitae), Labcorp and Ambry Genetics); PubMed 22275377 (cited by Labcorp Genetics (formerly Invitae), Labcorp); PubMed 12746426 (cited by Ambry Genetics).

NM_001370259.2(MEN1):c.1267T>C (p.Trp423Arg)

Gene: MEN1 (menin 1; minus strand). Cytogenetic location: 11q13.1.
Variant type: single nucleotide variant.
Coding change: c.1267T>C on transcript NM_001370259.2 (MANE Select); coding-DNA position 1267, T replaced by C.
Protein change: p.Trp423Arg; replaces tryptophan 423 with arginine.
Molecular consequence: missense variant.
Genome position (GRCh38, 1-based): chr11:64,805,117, A>G on the plus strand (T>C on the coding strand, the complement: MEN1 is on the minus strand). VCF-style: chr11-64805117-A-G. GRCh37 (hg19) VCF-style: chr11-64572589-A-G.
Other names: c.1282T>C, p.Trp428Arg (NM_130804.3, NM_000244.4, NM_130800.3 and 3 more transcripts); c.1393T>C, p.Trp465Arg (NM_001370251.2); c.1267T>C, p.Trp423Arg (NM_001370260.2, NM_001370261.2, NM_130799.3); c.1162T>C, p.Trp388Arg (NM_001370262.2, NM_001370263.2); short protein forms W428R, W423R, W388R, W465R.
Identifiers: ClinVar variation 457284 (VCV000457284.12), dbSNP rs1555164270, ClinGen allele CA381180426.